The following is an entry in ClinVar:

ClinVar aggregate classification (germline): Uncertain significance (1 of 4 stars; one submission).

Conditions:
Developmental and epileptic encephalopathy, 30 (DEE30). Also called: Epileptic encephalopathy, early infantile, 30. Identifiers: MedGen C4225360, MONDO:0014595, OMIM 616341.

Allele frequency attached by ClinVar (database versions not stated): ExAC 0.00001; gnomAD exomes 0.00001.

Submission:

Labcorp Genetics (formerly Invitae), Labcorp
Classification: Uncertain significance for Developmental and epileptic encephalopathy, 30. Last evaluated: 2024-03-24. Review status: criteria provided, single submitter. Criteria: Invitae Variant Classification Sherloc (09022015). Collection method: clinical testing. Allele origin: germline.
Comment: This sequence change replaces arginine, which is basic and polar, with tryptophan, which is neutral and slightly polar, at codon 273 of the SIK1 protein (p.Arg273Trp). This variant is present in population databases (rs768230594, gnomAD 0.003%). This variant has not been reported in the literature in individuals affected with SIK1-related conditions. ClinVar contains an entry for this variant (Variation ID: 1396609). Algorithms developed to predict the effect of missense changes on protein structure and function output the following: SIFT: "Not Available"; PolyPhen-2: "Benign"; Align-GVGD: "Not Available". The tryptophan amino acid residue is found in multiple mammalian species, which suggests that this missense change does not adversely affect protein function. In summary, the available evidence is currently insufficient to determine the role of this variant in disease. Therefore, it has been classified as a Variant of Uncertain Significance.

NM_173354.5(SIK1):c.817C>T (p.Arg273Trp)

Gene: SIK1 (salt inducible kinase 1; minus strand). Cytogenetic location: 21q22.3.
Variant type: single nucleotide variant.
Coding change: c.817C>T on transcript NM_173354.5 (MANE Select); coding-DNA position 817, C replaced by T.
Protein change: p.Arg273Trp; replaces arginine 273 with tryptophan.
Molecular consequence: missense variant.
Genome position (GRCh38, 1-based): chr21:43,420,389, G>A on the plus strand (C>T on the coding strand, the complement: SIK1 is on the minus strand). VCF-style: chr21-43420389-G-A. GRCh37 (hg19) VCF-style: chr21-44840269-G-A.
Other names: short protein forms R273W.
Identifiers: ClinVar variation 1396609 (VCV001396609.8), dbSNP rs768230594, ClinGen allele CA321326910.